The following is an entry in ClinVar:

ClinVar aggregate classification (germline): Uncertain significance (1 of 4 stars; one submission).

Conditions:
Hereditary cancer-predisposing syndrome. Also called: Tumor predisposition; Hereditary neoplastic syndrome; Neoplastic Syndromes, Hereditary; Hereditary Cancer Syndrome. Identifiers: Orphanet 140162, MedGen C0027672, MeSH D009386, MONDO:0015356.

gnomAD v4.1: 2 of 1,609,680 alleles (0.00012%); highest among the groups gnomAD compares: South Asian, 0.0011%; no homozygotes.

Submission:

Ambry Genetics
Classification: Uncertain significance for Hereditary cancer-predisposing syndrome. Last evaluated: 2025-04-04. Review status: criteria provided, single submitter. Criteria: Ambry Variant Classification Scheme 2023. Collection method: clinical testing. Allele origin: germline.
Comment: The p.P1059L variant (also known as c.3176C>T), located in coding exon 27 of the EGFR gene, results from a C to T substitution at nucleotide position 3176. The proline at codon 1059 is replaced by leucine, an amino acid with similar properties. This amino acid position is conserved. In addition, this alteration is predicted to be tolerated by in silico analysis. Based on the available evidence, the clinical significance of this variant remains unclear.

NM_005228.5(EGFR):c.3176C>T (p.Pro1059Leu)

Gene: EGFR (epidermal growth factor receptor; plus strand). Cytogenetic location: 7p11.2.
Variant type: single nucleotide variant.
Coding change: c.3176C>T on transcript NM_005228.5 (MANE Select); coding-DNA position 3176, C replaced by T.
Protein change: p.Pro1059Leu; replaces proline 1059 with leucine.
Molecular consequence: missense variant.
Genome position (GRCh38, 1-based): chr7:55,202,530, C>T. VCF-style: chr7-55202530-C-T. GRCh37 (hg19) VCF-style: chr7-55270223-C-T.
Other names: c.3041C>T, p.Pro1014Leu (NM_001346897.2, NM_001346899.2); c.3176C>T, p.Pro1059Leu (NM_001346898.2); c.3017C>T, p.Pro1006Leu (NM_001346900.2); c.2375C>T, p.Pro792Leu (NM_001346941.2); short protein forms P1006L, P792L, P1014L, P1059L.
Identifiers: ClinVar variation 4016722 (VCV004016722.1).